The following is an entry in ClinVar:

ClinVar aggregate classification (germline): Uncertain significance. Review status: criteria provided, multiple submitters, no conflicts (2 of 4 stars). 2 submissions from 2 submitters: Uncertain significance (2). Last evaluated 2025-07-27.

Conditions:
Cardiomyopathy (CMYO). Also called: Cardiomyopathies. Identifiers: Orphanet 167848, MedGen C0878544, MONDO:0004994, HP:0001638. Inheritance: Various modes of inheritance.
Hypertrophic cardiomyopathy. Also called: HYPERTROPHIC MYOCARDIOPATHY. Identifiers: Orphanet 217569, MedGen C0007194, MeSH D002312, MONDO:0005045, HP:0001639.

Submissions (2):

Labcorp Genetics (formerly Invitae), Labcorp
Classification: Uncertain significance for Hypertrophic cardiomyopathy. Last evaluated: 2025-07-27. Review status: criteria provided, single submitter. Criteria: Invitae Variant Classification Sherloc (09022015). Collection method: clinical testing. Allele origin: germline.
Comment: This sequence change creates a premature translational stop signal (p.Pro527Alafs*28) in the MYH7 gene. It is expected to result in an absent or disrupted protein product. However, the current clinical and genetic evidence is not sufficient to establish whether loss-of-function variants in MYH7 cause disease. This variant is not present in population databases (gnomAD no frequency). This variant has not been reported in the literature in individuals affected with MYH7-related conditions. ClinVar contains an entry for this variant (Variation ID: 3075202). In summary, the available evidence is currently insufficient to determine the role of this variant in disease. Therefore, it has been classified as a Variant of Uncertain Significance.

All of Us Research Program, National Institutes of Health
Classification: Uncertain significance for Cardiomyopathy. Last evaluated: 2024-01-11. Review status: criteria provided, single submitter. Criteria: ACMG Guidelines, 2015. Collection method: clinical testing. Allele origin: germline. Inheritance: Autosomal dominant inheritance. Observed: 1 variant allele, 1 heterozygote.
Comment: This study involves interpretation of variants in research participants for the purpose of population health screening. Participant phenotype was not available at the time of variant classification. Additional details can be found in publication PMID: 35346344, PMCID: PMC8962531

NM_000257.4(MYH7):c.1577dup (p.Pro527fs)

Gene: MYH7 (myosin heavy chain 7; minus strand). Cytogenetic location: 14q11.2.
Variant type: Duplication.
Coding change: c.1577dup on transcript NM_000257.4 (MANE Select); coding-DNA position 1577, one base duplicated (A; older notation c.1577dupA).
Protein change: p.Pro527fs; shifts the reading frame from proline 527.
Molecular consequence: frameshift variant.
Genome position (GRCh38, 1-based): chr14:23,428,501, T duplicated on the plus strand (A on the coding strand, the reverse complement: MYH7 is on the minus strand); the first of 2 consecutive T bases (chr14:23,428,501-23,428,502); duplicating either gives the same sequence. VCF-style (leftmost placement, unchanged base first): chr14-23428500-C-CT. GRCh37 (hg19) VCF-style: chr14-23897709-C-CT.
Other names: c.1577dup, p.Pro527fs (NM_001407004.1); short protein forms P527fs.
Identifiers: ClinVar variation 3075202 (VCV003075202.2), dbSNP rs1892788174, ClinGen allele CA2123443615.